The following is an entry in ClinVar:

NM_001267550.2(TTN):c.24191G>T (p.Gly8064Val)

Gene: TTN (titin; minus strand). Cytogenetic location: 2q31.2.
Variant type: single nucleotide variant.
Coding change: c.24191G>T on transcript NM_001267550.2 (MANE Select); coding-DNA position 24191, G replaced by T.
Protein change: p.Gly8064Val; replaces glycine 8064 with valine.
Molecular consequence: missense variant. On other transcripts: intron variant (3).
Genome position (GRCh38, 1-based): chr2:178,719,199, C>A on the plus strand (G>T on the coding strand, the complement: TTN is on the minus strand). VCF-style: chr2-178719199-C-A. GRCh37 (hg19) VCF-style: chr2-179583926-C-A.
Other names: c.23240G>T, p.Gly7747Val (NM_001256850.1); c.20459G>T, p.Gly6820Val (NM_133378.4); c.13282+18883G>T (NM_003319.4); c.13858+18883G>T (NM_133437.4); c.13657+18883G>T (NM_133432.3); short protein forms G6820V, G7747V, G8064V.
Identifiers: ClinVar variation 2578887 (VCV002578887.25), dbSNP rs2529288972, ClinGen allele CA349501050.

ClinVar aggregate classification (germline): Uncertain significance (1 of 4 stars; one submission).

Submission:

CeGaT Center for Human Genetics Tuebingen
Classification: Uncertain significance. Last evaluated: 2025-06-01. Review status: criteria provided, single submitter. Criteria: CeGaT Center For Human Genetics Tuebingen Variant Classification Criteria Version 2. Collection method: clinical testing. Allele origin: germline. Affected: yes. Observed: 2 variant alleles.
Comment: TTN: PM2, PM3